The following is an entry in ClinVar:

ClinVar aggregate classification (germline): Pathogenic (1 of 4 stars; one submission).

Allele frequency attached by ClinVar (database versions not stated): gnomAD exomes below 0.00001.
gnomAD v4.1: 1 of 1,613,874 alleles (0.000062%); no homozygotes.

Submission:

Labcorp Genetics (formerly Invitae), Labcorp
Classification: Pathogenic. Last evaluated: 2019-11-27. Review status: criteria provided, single submitter. Criteria: Invitae Variant Classification Sherloc (09022015). Collection method: clinical testing. Allele origin: germline.
Comment: For these reasons, this variant has been classified as Pathogenic. Loss-of-function variants in ADCY10 are known to be pathogenic (PMID: 31119281). This variant has not been reported in the literature in individuals with ADCY10-related conditions. This variant is not present in population databases (ExAC no frequency). This sequence change creates a premature translational stop signal (p.Gln701*) in the ADCY10 gene. It is expected to result in an absent or disrupted protein product.

Literature cited by the submitters: PubMed 31119281.

NM_018417.6(ADCY10):c.2101C>T (p.Gln701Ter)

Gene: ADCY10 (adenylate cyclase 10; minus strand). Cytogenetic location: 1q24.2.
Variant type: single nucleotide variant.
Coding change: c.2101C>T on transcript NM_018417.6 (MANE Select); coding-DNA position 2101, C replaced by T.
Protein change: p.Gln701Ter; replaces glutamine 701 with a stop codon.
Molecular consequence: nonsense.
Genome position (GRCh38, 1-based): chr1:167,856,235, G>A on the plus strand (C>T on the coding strand, the complement: ADCY10 is on the minus strand). VCF-style: chr1-167856235-G-A. GRCh37 (hg19) VCF-style: chr1-167825473-G-A.
Other names: c.1642C>T, p.Gln548Ter (NM_001167749.3); c.1825C>T, p.Gln609Ter (NM_001297772.2); short protein forms Q609*, Q548*, Q701*.
Identifiers: ClinVar variation 846484 (VCV000846484.6), dbSNP rs1665880829, ClinGen allele CA343088464.